The following is an entry in ClinVar:

ClinVar aggregate classification (germline): Uncertain significance. Review status: criteria provided, multiple submitters, no conflicts (2 of 4 stars). 3 submissions from 3 submitters: Uncertain significance (3). Last evaluated 2023-12-21.

Conditions:
Renal cell carcinoma. Identifiers: Orphanet 217071, MedGen C0007134, MeSH D002292, MONDO:0005086, HP:0005584.
Hereditary cancer-predisposing syndrome. Also called: Tumor predisposition; Neoplastic Syndromes, Hereditary; Hereditary Cancer Syndrome; Hereditary neoplastic syndrome. Identifiers: Orphanet 140162, MedGen C0027672, MeSH D009386, MONDO:0015356.
Papillary renal cell carcinoma type 1 (RCCP1). Also called: Renal adenocarcinoma; Renal cell carcinoma 1; Renal cell carcinoma, somatic; RENAL CELL CARCINOMA, PAPILLARY, 1, SOMATIC. Identifiers: Orphanet 47044, MedGen C1336839, OMIM 605074, HP:0011797.

Submissions (4):

Ambry Genetics
Classification: Uncertain significance for Hereditary cancer-predisposing syndrome. Last evaluated: 2023-12-21. Review status: criteria provided, single submitter. Criteria: Ambry Variant Classification Scheme 2023. Collection method: clinical testing. Allele origin: germline.
Comment: The c.2946G>A variant (also known as p.L982L), located in coding exon 13 of the MET gene, results from a G to A substitution at nucleotide position 2946. This nucleotide substitution does not change the at codon 982. This nucleotide position is not well conserved in available vertebrate species. In silico splice site analysis predicts that this alteration may result in the creation or strengthening of a novel splice acceptor site. Since supporting evidence is limited at this time, the clinical significance of this alteration remains unclear.

Labcorp Genetics (formerly Invitae), Labcorp
Classification: Uncertain significance for Renal cell carcinoma. Last evaluated: 2022-07-29. Review status: criteria provided, single submitter. Criteria: Invitae Variant Classification Sherloc (09022015). Collection method: clinical testing. Allele origin: germline.
Comment: In summary, the available evidence is currently insufficient to determine the role of this variant in disease. Therefore, it has been classified as a Variant of Uncertain Significance. Algorithms developed to predict the effect of sequence changes on RNA splicing suggest that this variant may create or strengthen a splice site. ClinVar contains an entry for this variant (Variation ID: 802353). This variant has not been reported in the literature in individuals affected with MET-related conditions. This variant is not present in population databases (gnomAD no frequency). This sequence change affects codon 982 of the MET mRNA. It is a 'silent' change, meaning that it does not change the encoded amino acid sequence of the MET protein.

Mendelics
Classification: Uncertain significance for Papillary renal cell carcinoma type 1. Last evaluated: 2019-05-28. Review status: criteria provided, single submitter. Criteria: Mendelics Assertion Criteria 2017. Collection method: clinical testing. Allele origin: unknown.

Dr. Peter K. Rogan Lab, Western University
No classification provided (evidence only). Condition: Malignant tumor of esophagus. Review status: no classification provided. Collection method: in vitro. Allele origin: not applicable. Functional consequence: retained intron. Not counted in ClinVar's aggregate classification.

NM_000245.4(MET):c.2892G>A (p.Leu964=)

Gene: MET (MET proto-oncogene, receptor tyrosine kinase; plus strand). Cytogenetic location: 7q31.2.
Variant type: single nucleotide variant.
Coding change: c.2892G>A on transcript NM_000245.4 (MANE Select); coding-DNA position 2892, G replaced by A.
Protein change: p.Leu964=; no amino-acid change (leucine 964 retained).
Molecular consequence: synonymous variant.
Genome position (GRCh38, 1-based): chr7:116,771,853, G>A. VCF-style: chr7-116771853-G-A. GRCh37 (hg19) VCF-style: chr7-116411907-G-A.
Other names: c.2946G>A, p.Leu982= (NM_001127500.3); c.1602G>A, p.Leu534= (NM_001324402.2); c.2946G>A (NM_001127500.1).
Identifiers: ClinVar variation 802353 (VCV000802353.7), dbSNP rs1584955273, ClinGen allele CA457447517.